The following is an entry in ClinVar:

ClinVar aggregate classification (germline): Uncertain significance. Review status: criteria provided, multiple submitters, no conflicts (2 of 4 stars). 2 submissions from 2 submitters: Uncertain significance (2). Last evaluated 2026-04-13.

Submissions (2):

Dasa
Classification: Uncertain significance. Last evaluated: 2026-04-13. Review status: criteria provided, single submitter. Criteria: DASA Assertion Criteria. Collection method: clinical testing. Allele origin: germline.
Comment: NM_001614.5(ACTG1):c.32A>G (p.Asp11Gly) is a missense variant that results in the substitution of aspartic acid with glycine. The affected residue or protein region has prior evidence supporting clinical relevance. This variant is absent from population databases. Computational prediction algorithms are consistent with a deleterious effect. The currently available literature and clinical evidence are not sufficient to establish a definitive association between this variant and the reported condition. Therefore, this variant is classified as a variant of uncertain significance.

GeneDx
Classification: Uncertain significance. Last evaluated: 2023-05-03. Review status: criteria provided, single submitter. Criteria: GeneDx Variant Classification Process June 2021. Collection method: clinical testing. Allele origin: germline. Affected: yes.
Comment: Not observed at significant frequency in large population cohorts (gnomAD); Missense variants in this gene are often considered pathogenic (HGMD); In silico analysis supports that this missense variant has a deleterious effect on protein structure/function; Has not been previously published as pathogenic or benign to our knowledge

NM_001614.5(ACTG1):c.32A>G (p.Asp11Gly)

Genes: ACTG1 (actin gamma 1; minus strand), LOC130061940 (ATAC-STARR-seq lymphoblastoid active region 12964; plus strand). Cytogenetic location: 17q25.3.
Variant type: single nucleotide variant.
Coding change: c.32A>G on transcript NM_001614.5 (MANE Select); coding-DNA position 32, A replaced by G.
Protein change: p.Asp11Gly; replaces aspartic acid 11 with glycine.
Molecular consequence: missense variant. On other transcripts: non-coding transcript variant (1).
Genome position (GRCh38, 1-based): chr17:81,512,323, T>C on the plus strand (A>G on the coding strand, the complement: ACTG1 is on the minus strand). VCF-style: chr17-81512323-T-C. GRCh37 (hg19) VCF-style: chr17-79479349-T-C.
Other names: c.32A>G, p.Asp11Gly (NM_001199954.3); short protein forms D11G.
Identifiers: ClinVar variation 2663556 (VCV002663556.3), dbSNP rs2544393236, ClinGen allele CA401463915.